The following is an entry in ClinVar:

NM_001291303.3(FAT4):c.14689G>A (p.Gly4897Ser)

Gene: FAT4 (FAT atypical cadherin 4; plus strand). Cytogenetic location: 4q28.1.
Variant type: single nucleotide variant.
Coding change: c.14689G>A on transcript NM_001291303.3 (MANE Select); coding-DNA position 14689, G replaced by A.
Protein change: p.Gly4897Ser; replaces glycine 4897 with serine.
Molecular consequence: missense variant.
Genome position (GRCh38, 1-based): chr4:125,491,505, G>A. VCF-style: chr4-125491505-G-A. GRCh37 (hg19) VCF-style: chr4-126412660-G-A.
Other names: c.14686G>A, p.Gly4896Ser (NM_001291285.3); c.14683G>A, p.Gly4895Ser (NM_024582.6); short protein forms G4896S, G4895S, G4897S.
Identifiers: ClinVar variation 1473328 (VCV001473328.6), dbSNP rs370075940, ClinGen allele CA3074607.

ClinVar aggregate classification (germline): Uncertain significance. Review status: criteria provided, multiple submitters, no conflicts (2 of 4 stars). 2 submissions from 2 submitters: Uncertain significance (2). Last evaluated 2025-01-06.

Conditions:
Van Maldergem syndrome 2 (VMLDS2). Identifiers: Orphanet 314679, MedGen C3809875, MONDO:0014242, OMIM 615546.
Hennekam lymphangiectasia-lymphedema syndrome 2 (HKLLS2). Identifiers: Orphanet 2136, MedGen C4014939, MONDO:0014454, OMIM 616006.

Allele frequency attached by ClinVar (database versions not stated): gnomAD 0.00005; ExAC 0.00002; ESP Exome Variant Server 0.00008; gnomAD exomes 0.00002.
gnomAD v4.1: 34 of 1,613,990 alleles (0.0021%); highest among the groups gnomAD compares: East Asian, 0.022%; no homozygotes.

Submissions (2):

Clinical Genomics Laboratory, Washington University in St. Louis
Classification: Uncertain significance for Hennekam lymphangiectasia-lymphedema syndrome 2; Van Maldergem syndrome 2. Last evaluated: 2025-01-06. Review status: criteria provided, single submitter. Criteria: ACMG Guidelines, 2015. Collection method: clinical testing. Allele origin: germline.
Comment: A FAT4 c.14689G>A (p.Gly4897Ser) variant was identified at a heterozygous allelic fraction of 50%, a frequency that may be consistent with its germline origin. This variant, to our knowledge, has not been reported in the medical literature. This variant has been reported in the ClinVar database as a germline variant of uncertain significance by one submitter (ClinVar Variation ID: 1473328). It is only observed on 34/1,613,990 alleles in the general population (gnomAD v.4.1.0), indicating that it is not a common variant. Computational predictors are uncertain as to the impact of this variant on FAT4 function. Due to limited information, and based on the ACMG/AMP guidelines for variant interpretation (Richards S et al., PMID: 25741868), the clinical significance of the FAT4 c.14689G>A (p.Gly4897Ser) variant is uncertain at this time.

Labcorp Genetics (formerly Invitae), Labcorp
Classification: Uncertain significance. Last evaluated: 2022-08-31. Review status: criteria provided, single submitter. Criteria: Invitae Variant Classification Sherloc (09022015). Collection method: clinical testing. Allele origin: germline.
Comment: This sequence change replaces glycine, which is neutral and non-polar, with serine, which is neutral and polar, at codon 4895 of the FAT4 protein (p.Gly4895Ser). This variant is present in population databases (rs370075940, gnomAD 0.02%). This variant has not been reported in the literature in individuals affected with FAT4-related conditions. ClinVar contains an entry for this variant (Variation ID: 1473328). Advanced modeling of protein sequence and biophysical properties (such as structural, functional, and spatial information, amino acid conservation, physicochemical variation, residue mobility, and thermodynamic stability) performed at Invitae indicates that this missense variant is not expected to disrupt FAT4 protein function. In summary, the available evidence is currently insufficient to determine the role of this variant in disease. Therefore, it has been classified as a Variant of Uncertain Significance.